The following is an entry in ClinVar:

ClinVar aggregate classification (germline): Uncertain significance (1 of 4 stars; one submission).

gnomAD v4.1: 2 of 1,614,092 alleles (0.00012%); highest among the groups gnomAD compares: Non-Finnish European, 0.00017%; no homozygotes.

Submission:

Labcorp Genetics (formerly Invitae), Labcorp
Classification: Uncertain significance. Last evaluated: 2024-03-14. Review status: criteria provided, single submitter. Criteria: Invitae Variant Classification Sherloc (09022015). Collection method: clinical testing. Allele origin: germline.
Comment: This sequence change replaces arginine, which is basic and polar, with glycine, which is neutral and non-polar, at codon 836 of the FLNB protein (p.Arg836Gly). This variant is not present in population databases (gnomAD no frequency). This variant has not been reported in the literature in individuals affected with FLNB-related conditions. Advanced modeling of protein sequence and biophysical properties (such as structural, functional, and spatial information, amino acid conservation, physicochemical variation, residue mobility, and thermodynamic stability) performed at Invitae indicates that this missense variant is not expected to disrupt FLNB protein function with a negative predictive value of 95%. In summary, the available evidence is currently insufficient to determine the role of this variant in disease. Therefore, it has been classified as a Variant of Uncertain Significance.

NM_001457.4(FLNB):c.2506A>G (p.Arg836Gly)

Genes: FLNB (filamin B; plus strand), LOC129936935 (ATAC-STARR-seq lymphoblastoid active region 19999; plus strand). Cytogenetic location: 3p14.3.
Variant type: single nucleotide variant.
Coding change: c.2506A>G on transcript NM_001457.4 (MANE Select); coding-DNA position 2506, A replaced by G.
Protein change: p.Arg836Gly; replaces arginine 836 with glycine.
Molecular consequence: missense variant.
Genome position (GRCh38, 1-based): chr3:58,111,812, A>G. VCF-style: chr3-58111812-A-G. GRCh37 (hg19) VCF-style: chr3-58097539-A-G.
Other names: c.2506A>G, p.Arg836Gly (NM_001164317.2, NM_001164318.2, NM_001164319.2); short protein forms R836G.
Identifiers: ClinVar variation 3635711 (VCV003635711.2).